The following is an entry in ClinVar:

ClinVar aggregate classification (germline): Uncertain significance (1 of 4 stars; one submission).

Conditions:
Fanconi anemia (FA). Also called: Fanconi's anemia. Identifiers: Orphanet 84, MedGen C0015625, MeSH D005199, MONDO:0019391.

Submission:

Labcorp Genetics (formerly Invitae), Labcorp
Classification: Uncertain significance for Fanconi anemia. Last evaluated: 2019-07-08. Review status: criteria provided, single submitter. Criteria: Invitae Variant Classification Sherloc (09022015). Collection method: clinical testing. Allele origin: germline.
Comment: This sequence change replaces alanine with isoleucine at codon 952 of the SLX4 protein (p.Ala952Ile). The alanine residue is moderately conserved and there is a moderate physicochemical difference between alanine and isoleucine. This variant is not present in population databases (ExAC no frequency). This variant has not been reported in the literature in individuals with SLX4-related conditions. Algorithms developed to predict the effect of missense changes on protein structure and function are either unavailable or do not agree on the potential impact of this missense change (SIFT: "Tolerated"; PolyPhen-2: "Benign"; Align-GVGD: "Class C0"). In summary, the available evidence is currently insufficient to determine the role of this variant in disease. Therefore, it has been classified as a Variant of Uncertain Significance.

NM_032444.4(SLX4):c.2854_2856delinsATA (p.Ala952Ile)

Gene: SLX4 (SLX4 structure-specific endonuclease subunit; minus strand). Cytogenetic location: 16p13.3.
Variant type: Indel.
Coding change: c.2854_2856delinsATA on transcript NM_032444.4 (MANE Select); coding-DNA positions 2854 to 2856, GCG replaced by ATA.
Protein change: p.Ala952Ile; replaces alanine 952 with isoleucine.
Molecular consequence: missense variant.
Genome position (GRCh38, 1-based): chr16:3,590,782-3,590,784, CGC replaced by TAT on the plus strand (GCG replaced by ATA on the coding strand, the reverse complement: SLX4 is on the minus strand). VCF-style: chr16-3590782-CGC-TAT. GRCh37 (hg19) VCF-style: chr16-3640783-CGC-TAT.
Other names: short protein forms A952I.
Identifiers: ClinVar variation 966187 (VCV000966187.7), dbSNP rs2040578747, ClinGen allele CA1139664450.